The following is an entry in ClinVar:

NM_032575.3(GLIS2):c.15C>T (p.Asp5=)

Gene: GLIS2 (GLIS family zinc finger 2; plus strand). Cytogenetic location: 16p13.3.
Variant type: single nucleotide variant.
Coding change: c.15C>T on transcript NM_032575.3 (MANE Select); coding-DNA position 15, C replaced by T.
Protein change: p.Asp5=; no amino-acid change (aspartic acid 5 retained).
Molecular consequence: synonymous variant.
Genome position (GRCh38, 1-based): chr16:4,332,295, C>T. VCF-style: chr16-4332295-C-T. GRCh37 (hg19) VCF-style: chr16-4382296-C-T.
Other names: c.15C>T, p.Asp5= (NM_001318918.2); c.15C>T (NM_032575.2).
Identifiers: ClinVar variation 193468 (VCV000193468.8), dbSNP rs751898309, ClinGen allele CA238988.

ClinVar aggregate classification (germline): Conflicting classifications of pathogenicity. Review status: criteria provided, conflicting classifications (1 of 4 stars). 3 submissions from 3 submitters: Uncertain significance (1); Likely benign (1). 1 of the submissions does not count toward it. Last evaluated 2025-07-31.

Conditions:
Nephronophthisis. Also called: Juvenile Nephronophthisis. Identifiers: Orphanet 655, MedGen C0687120, MONDO:0019005, HP:0000090.
GLIS2-related disorder. Also called: GLIS2-related condition.

Allele frequency attached by ClinVar (database versions not stated): ExAC below 0.00001; gnomAD exomes 0.00001; gnomAD 0.00002; TOPMed 0.00003.
gnomAD v4.1: 16 of 1,612,204 alleles (0.00099%); highest among the groups gnomAD compares: African/African-American, 0.0053%; 1 homozygote.

Submissions (3):

Labcorp Genetics (formerly Invitae), Labcorp
Classification: Likely benign for Nephronophthisis. Last evaluated: 2025-07-31. Review status: criteria provided, single submitter. Criteria: Invitae Variant Classification Sherloc (09022015). Collection method: clinical testing. Allele origin: germline.

Eurofins Ntd Llc (ga)
Classification: Uncertain significance. Last evaluated: 2014-05-07. Review status: criteria provided, single submitter. Criteria: EGL Classification Definitions 2015. Collection method: clinical testing. Allele origin: germline. Observed: 1 variant allele, 1 heterozygote.

PreventionGenetics, part of Exact Sciences
Classification: Likely benign for GLIS2-related condition. Last evaluated: 2023-08-30. Review status: no assertion criteria provided. Collection method: clinical testing. Allele origin: germline. Not counted in ClinVar's aggregate classification.
Comment: This variant is classified as likely benign based on ACMG/AMP sequence variant interpretation guidelines (Richards et al. 2015 PMID: 25741868, with internal and published modifications).